The following is an entry in ClinVar:

ClinVar aggregate classification (germline): Uncertain significance (1 of 4 stars; one submission).

Submission:

Labcorp Genetics (formerly Invitae), Labcorp
Classification: Uncertain significance. Last evaluated: 2024-04-24. Review status: criteria provided, single submitter. Criteria: Invitae Variant Classification Sherloc (09022015). Collection method: clinical testing. Allele origin: germline.
Comment: This sequence change affects codon 2683 of the HERC1 mRNA. It is a 'silent' change, meaning that it does not change the encoded amino acid sequence of the HERC1 protein. This variant is not present in population databases (gnomAD no frequency). This variant has not been reported in the literature in individuals affected with HERC1-related conditions. ClinVar contains an entry for this variant (Variation ID: 1394889). Algorithms developed to predict the effect of sequence changes on RNA splicing suggest that this variant may create or strengthen a splice site. In summary, the available evidence is currently insufficient to determine the role of this variant in disease. Therefore, it has been classified as a Variant of Uncertain Significance.

NM_003922.4(HERC1):c.8049A>G (p.Gln2683=)

Gene: HERC1 (HECT and RLD domain containing E3 ubiquitin protein ligase family member 1; minus strand). Cytogenetic location: 15q22.31.
Variant type: single nucleotide variant.
Coding change: c.8049A>G on transcript NM_003922.4 (MANE Select); coding-DNA position 8049, A replaced by G.
Protein change: p.Gln2683=; no amino-acid change (glutamine 2683 retained).
Molecular consequence: synonymous variant.
Genome position (GRCh38, 1-based): chr15:63,669,695, T>C on the plus strand (A>G on the coding strand, the complement: HERC1 is on the minus strand). VCF-style: chr15-63669695-T-C. GRCh37 (hg19) VCF-style: chr15-63961894-T-C.
Identifiers: ClinVar variation 1394889 (VCV001394889.8), dbSNP rs2152959694, ClinGen allele CA490710833.